The following is an entry in ClinVar:

ClinVar aggregate classification (germline): Likely benign. Review status: criteria provided, multiple submitters, no conflicts (2 of 4 stars). 2 submissions from 2 submitters: Likely benign (2). Last evaluated 2026-08-13.

Conditions:
BBS9-related disorder. Also called: BBS9-related condition.
Bardet-Biedl syndrome (BBS). Identifiers: Orphanet 110, MedGen C0752166, MONDO:0015229.

gnomAD v4.1: 6 of 1,613,246 alleles (0.00037%); highest among the groups gnomAD compares: Non-Finnish European, 0.00051%; no homozygotes.

Submissions (2):

PreventionGenetics, part of Exact Sciences
Classification: Likely benign for BBS9-related condition. Last evaluated: 2026-08-13. Review status: criteria provided, single submitter. Criteria: ACMG Guidelines, 2015. Collection method: clinical testing. Allele origin: germline.
Comment: This variant is classified as likely benign based on ACMG/AMP sequence variant interpretation guidelines (Richards et al. 2015 PMID: 25741868, with internal and published modifications).

Labcorp Genetics (formerly Invitae), Labcorp
Classification: Likely benign for Bardet-Biedl syndrome. Last evaluated: 2026-01-17. Review status: criteria provided, single submitter. Criteria: Invitae Variant Classification Sherloc (09022015). Collection method: clinical testing. Allele origin: germline.

NM_198428.3(BBS9):c.1694-6T>G

Gene: BBS9 (Bardet-Biedl syndrome 9; plus strand). Cytogenetic location: 7p14.3.
Variant type: single nucleotide variant.
Coding change: c.1694-6T>G on transcript NM_198428.3 (MANE Select); 6 bases into the intron before coding-DNA position 1694, T replaced by G.
Molecular consequence: intron variant.
Genome position (GRCh38, 1-based): chr7:33,367,761, T>G. VCF-style: chr7-33367761-T-G. GRCh37 (hg19) VCF-style: chr7-33407373-T-G.
Other names: c.1694-6T>G (NM_001348036.1, NM_001362679.1, NM_001348041.4 and 2 more transcripts); c.1421-6T>G (NM_001348038.3); c.1316-6T>G (NM_001348039.3); c.1679-6T>G (NM_001033605.2); c.1589-6T>G (NM_001033604.2); c.1574-6T>G (NM_014451.4, NM_001348040.3); c.1328-6T>G (NM_001348037.3, NM_001348045.3, NM_001348046.3); c.1559-6T>G (NM_001348042.3); and 1 more.
Identifiers: ClinVar variation 1578736 (VCV001578736.9), dbSNP rs28622379, ClinGen allele CA573732519.